The following is an entry in ClinVar:

NM_001110556.2(FLNA):c.974G>A (p.Gly325Glu)

Gene: FLNA (filamin A; minus strand). Cytogenetic location: Xq28.
Variant type: single nucleotide variant.
Coding change: c.974G>A on transcript NM_001110556.2 (MANE Select); coding-DNA position 974, G replaced by A.
Protein change: p.Gly325Glu; replaces glycine 325 with glutamic acid.
Molecular consequence: missense variant.
Genome position (GRCh38, 1-based): chrX:154,366,745, C>T on the plus strand (G>A on the coding strand, the complement: FLNA is on the minus strand). VCF-style: chrX-154366745-C-T. GRCh37 (hg19) VCF-style: chrX-153595113-C-T.
Other names: c.974G>A, p.Gly325Glu (NM_001456.4); short protein forms G325E.
Identifiers: ClinVar variation 2941121 (VCV002941121.3), dbSNP rs2522762288, ClinGen allele CA415247515.

ClinVar aggregate classification (germline): Uncertain significance (1 of 4 stars; one submission).

Conditions:
Oto-palato-digital syndrome, type II (OPD2). Also called: FACIOPALATOOSSEOUS SYNDROME; OPD II SYNDROME; Otopalatodigital Syndrome, Type II; Otopalatodigital Syndrome Type 2 (FLNA-OPD2). Identifiers: Orphanet 669, Orphanet 90652, MedGen C1844696, MONDO:0010571, OMIM 304120.
Heterotopia, periventricular, X-linked dominant (PVNH1). Also called: PERIVENTRICULAR NODULAR HETEROTOPIA 1; X-linked periventricular heterotopia; PERIVENTRICULAR NODULAR HETEROTOPIA 4; HETEROTOPIA, PERIVENTRICULAR, 1. Identifiers: Orphanet 2149, Orphanet 82004, MedGen C1848213, MONDO:0010233, OMIM 300049.
Frontometaphyseal dysplasia (FMD1). Identifiers: Orphanet 1826, MedGen C0265293, MONDO:0015942.
Melnick-Needles syndrome (MNS). Also called: MELNICK-NEEDLES OSTEODYSPLASTY; OSTEODYSPLASTY OF MELNICK AND NEEDLES; Melnick-Needles Syndrome (FLNA-MNS). Identifiers: Orphanet 2484, MedGen C0025237, MONDO:0010650, OMIM 309350.

Submission:

Labcorp Genetics (formerly Invitae), Labcorp
Classification: Uncertain significance for Oto-palato-digital syndrome, type II; Heterotopia, periventricular, X-linked dominant; Frontometaphyseal dysplasia; Melnick-Needles syndrome. Last evaluated: 2022-11-01. Review status: criteria provided, single submitter. Criteria: Invitae Variant Classification Sherloc (09022015). Collection method: clinical testing. Allele origin: germline.
Comment: Advanced modeling of protein sequence and biophysical properties (such as structural, functional, and spatial information, amino acid conservation, physicochemical variation, residue mobility, and thermodynamic stability) performed at Invitae indicates that this missense variant is not expected to disrupt FLNA protein function. This variant has not been reported in the literature in individuals affected with FLNA-related conditions. This variant is not present in population databases (gnomAD no frequency). This sequence change replaces glycine, which is neutral and non-polar, with glutamic acid, which is acidic and polar, at codon 325 of the FLNA protein (p.Gly325Glu). In summary, the available evidence is currently insufficient to determine the role of this variant in disease. Therefore, it has been classified as a Variant of Uncertain Significance.